The following is an entry in ClinVar:

NM_032043.3(BRIP1):c.668A>G (p.Gln223Arg)

Gene: BRIP1 (BRCA1 interacting DNA helicase 1; minus strand). Cytogenetic location: 17q23.2.
Variant type: single nucleotide variant.
Coding change: c.668A>G on transcript NM_032043.3 (MANE Select); coding-DNA position 668, A replaced by G.
Protein change: p.Gln223Arg; replaces glutamine 223 with arginine.
Molecular consequence: missense variant.
Genome position (GRCh38, 1-based): chr17:61,808,717, T>C on the plus strand (A>G on the coding strand, the complement: BRIP1 is on the minus strand). VCF-style: chr17-61808717-T-C. GRCh37 (hg19) VCF-style: chr17-59886078-T-C.
Other names: short protein forms Q223R.
Identifiers: ClinVar variation 187404 (VCV000187404.23), dbSNP rs786203708, ClinGen allele CA197560.

ClinVar aggregate classification (germline): Uncertain significance. Review status: criteria provided, multiple submitters, no conflicts (2 of 4 stars). 5 submissions from 5 submitters: Uncertain significance (5). Last evaluated 2025-10-09.

Conditions:
Hereditary cancer-predisposing syndrome. Also called: Tumor predisposition; Neoplastic Syndromes, Hereditary; Hereditary neoplastic syndrome; Hereditary Cancer Syndrome. Identifiers: Orphanet 140162, MedGen C0027672, MeSH D009386, MONDO:0015356.
Fanconi anemia complementation group J. Also called: BRIP1-Related Fanconi Anemia. Identifiers: Orphanet 84, MedGen C1836860, MONDO:0012187, OMIM 609054.
Familial cancer of breast. Also called: BREAST CANCER, FAMILIAL; hereditary breast carcinoma; Hereditary breast cancer. Identifiers: Orphanet 227535, MedGen C0346153, MONDO:0016419, OMIM 114480. Disease mechanism: loss of function.

Allele frequency attached by ClinVar (database versions not stated): gnomAD 0.00001; TOPMed 0.00001; gnomAD exomes 0.00002.
gnomAD v4.1: 28 of 1,613,724 alleles (0.0017%); highest among the groups gnomAD compares: Non-Finnish European, 0.0023%; no homozygotes.

Submissions (5):

Labcorp Genetics (formerly Invitae), Labcorp
Classification: Uncertain significance for Familial cancer of breast; Fanconi anemia complementation group J. Last evaluated: 2025-10-09. Review status: criteria provided, single submitter. Criteria: Invitae Variant Classification Sherloc (09022015). Collection method: clinical testing. Allele origin: germline.
Comment: This sequence change replaces glutamine, which is neutral and polar, with arginine, which is basic and polar, at codon 223 of the BRIP1 protein (p.Gln223Arg). This variant is not present in population databases (gnomAD no frequency). This missense change has been observed in individual(s) with BRIP1-associated cancers (PMID: 34326862). ClinVar contains an entry for this variant (Variation ID: 187404). Invitae Evidence Modeling of protein sequence and biophysical properties (such as structural, functional, and spatial information, amino acid conservation, physicochemical variation, residue mobility, and thermodynamic stability) indicates that this missense variant is not expected to disrupt BRIP1 protein function with a negative predictive value of 95%. In summary, the available evidence is currently insufficient to determine the role of this variant in disease. Therefore, it has been classified as a Variant of Uncertain Significance.

Ambry Genetics
Classification: Uncertain significance for Hereditary cancer-predisposing syndrome. Last evaluated: 2025-08-30. Review status: criteria provided, single submitter. Criteria: Ambry Variant Classification Scheme 2023. Collection method: clinical testing. Allele origin: germline.

Color Diagnostics, LLC DBA Color Health
Classification: Uncertain significance for Hereditary cancer-predisposing syndrome. Last evaluated: 2025-08-11. Review status: criteria provided, single submitter. Criteria: ACMG Guidelines, 2015. Collection method: clinical testing. Allele origin: germline.
Comment: This missense variant replaces glutamine with arginine at codon 223 of the BRIP1 protein. Computational prediction suggests that this variant may not impact protein structure and function. To our knowledge, functional studies have not been reported for this variant. This variant has been reported in an individual affected with breast cancer (PMID: 34326862). This variant has not been identified in the general population by the Genome Aggregation Database (gnomAD). The available evidence is insufficient to determine the role of this variant in disease conclusively. Therefore, this variant is classified as a Variant of Uncertain Significance.

Blueprint Genetics
Classification: Uncertain significance. Last evaluated: 2021-09-15. Review status: criteria provided, single submitter. Criteria: ACMG Guidelines, 2015. Collection method: clinical testing. Allele origin: germline.

Quest Diagnostics Nichols Institute San Juan Capistrano
Classification: Uncertain significance. Last evaluated: 2020-07-24. Review status: criteria provided, single submitter. Criteria: Quest Diagnostics criteria. Collection method: clinical testing. Allele origin: unknown.

Literature cited by the submitters: PubMed 34326862 (cited by Labcorp Genetics (formerly Invitae), Labcorp and Color Diagnostics, LLC DBA Color Health).